The following is an entry in ClinVar:

NM_001244710.2(GFPT1):c.236T>C (p.Met79Thr)

Gene: GFPT1 (glutamine--fructose-6-phosphate transaminase 1; minus strand). Cytogenetic location: 2p13.3.
Variant type: single nucleotide variant.
Coding change: c.236T>C on transcript NM_001244710.2 (MANE Select); coding-DNA position 236, T replaced by C.
Protein change: p.Met79Thr; replaces methionine 79 with threonine.
Molecular consequence: missense variant.
Genome position (GRCh38, 1-based): chr2:69,363,658, A>G on the plus strand (T>C on the coding strand, the complement: GFPT1 is on the minus strand). VCF-style: chr2-69363658-A-G. GRCh37 (hg19) VCF-style: chr2-69590790-A-G.
Other names: c.236T>C, p.Met79Thr (NM_002056.4); c.236T>C (NM_002056.3); short protein forms M79T.
Identifiers: ClinVar variation 1377643 (VCV001377643.6), dbSNP rs142871135, ClinGen allele CA1693935.

ClinVar aggregate classification (germline): Uncertain significance. Review status: criteria provided, multiple submitters, no conflicts (2 of 4 stars). 2 submissions from 2 submitters: Uncertain significance (2). Last evaluated 2022-06-13.

Conditions:
Inborn genetic diseases. Identifiers: MedGen C0950123, MeSH D030342.
Congenital myasthenic syndrome 12 (CMS12). Also called: MYASTHENIC SYNDROME, CONGENITAL, WITH TUBULAR AGGREGATES 1; Myasthenia, congenital, 12, with tubular aggregates. Identifiers: Orphanet 353327, Orphanet 590, MedGen C3552335, MONDO:0012518, OMIM 610542.

Allele frequency attached by ClinVar (database versions not stated): gnomAD exomes 0.00002; ExAC 0.00004; gnomAD 0.00014 and 0.00015; TOPMed 0.00019; 1000 Genomes Project 0.00040; 1000 Genomes Project 30x 0.00047.
gnomAD v4.1: 57 of 1,605,928 alleles (0.0035%); highest among the groups gnomAD compares: African/African-American, 0.059%; no homozygotes.

Submissions (2):

Labcorp Genetics (formerly Invitae), Labcorp
Classification: Uncertain significance for Congenital myasthenic syndrome 12. Last evaluated: 2022-06-13. Review status: criteria provided, single submitter. Criteria: Invitae Variant Classification Sherloc (09022015). Collection method: clinical testing. Allele origin: germline.
Comment: This sequence change replaces methionine, which is neutral and non-polar, with threonine, which is neutral and polar, at codon 79 of the GFPT1 protein (p.Met79Thr). This variant is present in population databases (rs142871135, gnomAD 0.05%). This variant has not been reported in the literature in individuals affected with GFPT1-related conditions. Algorithms developed to predict the effect of missense changes on protein structure and function are either unavailable or do not agree on the potential impact of this missense change (SIFT: "Deleterious"; PolyPhen-2: "Benign"; Align-GVGD: "Class C0"). In summary, the available evidence is currently insufficient to determine the role of this variant in disease. Therefore, it has been classified as a Variant of Uncertain Significance.

Ambry Genetics
Classification: Uncertain significance for Inborn genetic diseases. Last evaluated: 2021-09-16. Review status: criteria provided, single submitter. Criteria: Ambry Variant Classification Scheme 2023. Collection method: clinical testing. Allele origin: germline.